The following is an entry in ClinVar:

NM_006231.4(POLE):c.5099A>G (p.Asp1700Gly)

Gene: POLE (DNA polymerase epsilon, catalytic subunit; minus strand). Cytogenetic location: 12q24.33.
Variant type: single nucleotide variant.
Coding change: c.5099A>G on transcript NM_006231.4 (MANE Select); coding-DNA position 5099, A replaced by G.
Protein change: p.Asp1700Gly; replaces aspartic acid 1700 with glycine.
Molecular consequence: missense variant.
Genome position (GRCh38, 1-based): chr12:132,642,251, T>C on the plus strand (A>G on the coding strand, the complement: POLE is on the minus strand). VCF-style: chr12-132642251-T-C. GRCh37 (hg19) VCF-style: chr12-133218837-T-C.
Other names: short protein forms D1700G.
Identifiers: ClinVar variation 2141395 (VCV002141395.4), dbSNP rs2042162064, ClinGen allele CA387376925.

ClinVar aggregate classification (germline): Uncertain significance (1 of 4 stars; one submission).

Submission:

Labcorp Genetics (formerly Invitae), Labcorp
Classification: Uncertain significance. Last evaluated: 2025-04-15. Review status: criteria provided, single submitter. Criteria: Invitae Variant Classification Sherloc (09022015). Collection method: clinical testing. Allele origin: germline.
Comment: This sequence change replaces aspartic acid, which is acidic and polar, with glycine, which is neutral and non-polar, at codon 1700 of the POLE protein (p.Asp1700Gly). This variant is not present in population databases (gnomAD no frequency). This variant has not been reported in the literature in individuals affected with POLE-related conditions. ClinVar contains an entry for this variant (Variation ID: 2141395). Invitae Evidence Modeling of protein sequence and biophysical properties (such as structural, functional, and spatial information, amino acid conservation, physicochemical variation, residue mobility, and thermodynamic stability) indicates that this missense variant is not expected to disrupt POLE protein function with a negative predictive value of 80%. In summary, the available evidence is currently insufficient to determine the role of this variant in disease. Therefore, it has been classified as a Variant of Uncertain Significance.